The following is an entry in ClinVar:

NM_139027.6(ADAMTS13):c.2048G>A (p.Arg683Gln)

Gene: ADAMTS13 (ADAM metallopeptidase with thrombospondin type 1 motif 13; plus strand). Cytogenetic location: 9q34.2.
Variant type: single nucleotide variant.
Coding change: c.2048G>A on transcript NM_139027.6 (MANE Select); coding-DNA position 2048, G replaced by A.
Protein change: p.Arg683Gln; replaces arginine 683 with glutamine.
Molecular consequence: missense variant.
Genome position (GRCh38, 1-based): chr9:133,442,478, G>A. VCF-style: chr9-133442478-G-A. GRCh37 (hg19) VCF-style: chr9-136307599-G-A.
Other names: c.2048G>A, p.Arg683Gln (NM_139025.5); c.1955G>A, p.Arg652Gln (NM_139026.6); short protein forms R683Q, R652Q.
Identifiers: ClinVar variation 3014487 (VCV003014487.3), dbSNP rs1486626692, ClinGen allele CA375396815.

ClinVar aggregate classification (germline): Uncertain significance (1 of 4 stars; one submission).

Allele frequency attached by ClinVar (database versions not stated): gnomAD exomes 0.00001; TOPMed 0.00001.
gnomAD v4.1: 15 of 1,613,732 alleles (0.00093%); highest among the groups gnomAD compares: Admixed American, 0.0017%; no homozygotes.

Submission:

Labcorp Genetics (formerly Invitae), Labcorp
Classification: Uncertain significance. Last evaluated: 2023-12-07. Review status: criteria provided, single submitter. Criteria: Invitae Variant Classification Sherloc (09022015). Collection method: clinical testing. Allele origin: germline.
Comment: This sequence change replaces arginine, which is basic and polar, with glutamine, which is neutral and polar, at codon 683 of the ADAMTS13 protein (p.Arg683Gln). This variant is not present in population databases (gnomAD no frequency). This variant has not been reported in the literature in individuals affected with ADAMTS13-related conditions. Advanced modeling of protein sequence and biophysical properties (such as structural, functional, and spatial information, amino acid conservation, physicochemical variation, residue mobility, and thermodynamic stability) performed at Invitae indicates that this missense variant is not expected to disrupt ADAMTS13 protein function with a negative predictive value of 80%. In summary, the available evidence is currently insufficient to determine the role of this variant in disease. Therefore, it has been classified as a Variant of Uncertain Significance.